The following is an entry in ClinVar:

NM_001111125.3(IQSEC2):c.2835T>G (p.Asp945Glu)

Gene: IQSEC2 (IQ motif and Sec7 domain ArfGEF 2; minus strand). Cytogenetic location: Xp11.22.
Variant type: single nucleotide variant.
Coding change: c.2835T>G on transcript NM_001111125.3 (MANE Select); coding-DNA position 2835, T replaced by G.
Protein change: p.Asp945Glu; replaces aspartic acid 945 with glutamic acid.
Molecular consequence: missense variant.
Genome position (GRCh38, 1-based): chrX:53,243,386, A>C on the plus strand (T>G on the coding strand, the complement: IQSEC2 is on the minus strand). VCF-style: chrX-53243386-A-C. GRCh37 (hg19) VCF-style: chrX-53272568-A-C.
Other names: c.2835T>G, p.Asp945Glu (NM_001410736.1); c.2220T>G, p.Asp740Glu (NM_015075.2); short protein forms D740E, D945E.
Identifiers: ClinVar variation 3342938 (VCV003342938.2).

ClinVar aggregate classification (germline): Uncertain significance (1 of 4 stars; one submission).

Submission:

GeneDx
Classification: Uncertain significance. Last evaluated: 2026-05-27. Review status: criteria provided, single submitter. Criteria: GeneDx Variant Classification Process June 2021. Collection method: clinical testing. Allele origin: germline.
Comment: Not observed at significant frequency in large population cohorts (gnomAD); In silico analysis suggests that this missense variant does not alter protein structure/function; Has not been previously published as pathogenic or benign to our knowledge